The following is an entry in ClinVar:

NM_002292.4(LAMB2):c.4496A>G (p.Asn1499Ser)

Gene: LAMB2 (laminin subunit beta 2; minus strand). Cytogenetic location: 3p21.31.
Variant type: single nucleotide variant.
Coding change: c.4496A>G on transcript NM_002292.4 (MANE Select); coding-DNA position 4496, A replaced by G.
Protein change: p.Asn1499Ser; replaces asparagine 1499 with serine.
Molecular consequence: missense variant.
Genome position (GRCh38, 1-based): chr3:49,122,781, T>C on the plus strand (A>G on the coding strand, the complement: LAMB2 is on the minus strand). VCF-style: chr3-49122781-T-C. GRCh37 (hg19) VCF-style: chr3-49160214-T-C.
Other names: short protein forms N1499S.
Identifiers: ClinVar variation 3346460 (VCV003346460.1).

ClinVar aggregate classification (germline): Uncertain significance (0 of 4 stars; one submission).

Conditions:
LAMB2-related disorder. Also called: LAMB2-related condition.

gnomAD v4.1: 1 of 1,614,108 alleles (0.000062%); highest among the groups gnomAD compares: South Asian, 0.0011%; no homozygotes.

Submission:

PreventionGenetics, part of Exact Sciences
Classification: Uncertain significance for LAMB2-related condition. Last evaluated: 2024-04-17. Review status: no assertion criteria provided. Collection method: clinical testing. Allele origin: germline.
Comment: The LAMB2 c.4496A>G variant is predicted to result in the amino acid substitution p.Asn1499Ser. To our knowledge, this variant has not been reported in the literature or in a large population database, indicating this variant is rare. At this time, the clinical significance of this variant is uncertain due to the absence of conclusive functional and genetic evidence.